The following is an entry in ClinVar:

ClinVar aggregate classification (germline): Likely benign (0 of 4 stars; one submission).

Conditions:
PIEZO1-related disorder. Also called: PIEZO1-related condition; PIEZO1-Related Disorders.

gnomAD v4.1: 67 of 1,540,984 alleles (0.0043%); highest among the groups gnomAD compares: South Asian, 0.006%; no homozygotes.

Submission:

PreventionGenetics, part of Exact Sciences
Classification: Likely benign for PIEZO1-related condition. Last evaluated: 2024-03-18. Review status: no assertion criteria provided. Collection method: clinical testing. Allele origin: germline.
Comment: This variant is classified as likely benign based on ACMG/AMP sequence variant interpretation guidelines (Richards et al. 2015 PMID: 25741868, with internal and published modifications).

NM_001142864.4(PIEZO1):c.6926+4C>T

Gene: PIEZO1 (piezo type mechanosensitive ion channel component 1 (Er blood group); minus strand). Cytogenetic location: 16q24.3.
Variant type: single nucleotide variant.
Coding change: c.6926+4C>T on transcript NM_001142864.4 (MANE Select); 4 bases into the intron after coding-DNA position 6926, C replaced by T.
Molecular consequence: intron variant.
Genome position (GRCh38, 1-based): chr16:88,716,555, G>A on the plus strand (C>T on the coding strand, the complement: PIEZO1 is on the minus strand). VCF-style: chr16-88716555-G-A. GRCh37 (hg19) VCF-style: chr16-88782963-G-A.
Identifiers: ClinVar variation 3346334 (VCV003346334.1).